The following is an entry in ClinVar:

NM_001162936.4(SMIM9):c.-5A>C

Gene: SMIM9 (small integral membrane protein 9; minus strand). Cytogenetic location: Xq28.
Variant type: single nucleotide variant.
Coding change: c.-5A>C on transcript NM_001162936.4 (MANE Select); 5 bases upstream of the start codon, A replaced by C.
Molecular consequence: 5 prime UTR variant.
Genome position (GRCh38, 1-based): chrX:154,830,861, T>G on the plus strand (A>C on the coding strand, the complement: SMIM9 is on the minus strand). VCF-style: chrX-154830861-T-G. GRCh37 (hg19) VCF-style: chrX-154059136-T-G.
Identifiers: ClinVar variation 2661860 (VCV002661860.24), dbSNP rs782266601, ClinGen allele CA10567711.
Genomic context (GRCh38, chrX:154,830,861, plus strand): 5'-AGGCAAGTTAGAGAGCATAGCAGAAATCCAATTATCAGCAGCTTCTGGGGTTCCATGGAC[T>G]CCCGCCTTCAGCTGCGGCTGAAGAGCTGGTAATCCTAGCTCACTCTGCCAAGGAGAGATG-3'

ClinVar aggregate classification (germline): Likely benign (1 of 4 stars; one submission).

Allele frequency attached by ClinVar (database versions not stated): ExAC 0.00007; gnomAD exomes 0.00007; gnomAD 0.00009; TOPMed 0.00010.
gnomAD v4.1: 79 of 1,162,141 alleles (0.0068%); highest among the groups gnomAD compares: Non-Finnish European, 0.0088%; no homozygotes.

Submission:

CeGaT Center for Human Genetics Tuebingen
Classification: Likely benign. Last evaluated: 2023-03-01. Review status: criteria provided, single submitter. Criteria: CeGaT Center For Human Genetics Tuebingen Variant Classification Criteria Version 2. Collection method: clinical testing. Allele origin: germline. Affected: yes. Observed: 1 variant allele.
Comment: SMIM9: BP4, BS2